The following is an entry in ClinVar:

NC_000012.11:g.(?_119631484)_(119631663_?)dup

Gene: HSPB8 (heat shock protein family B (small) member 8; plus strand). Cytogenetic location: 12q24.23.
Variant type: Duplication.
Identifiers: ClinVar variation 2425950 (VCV002425950.3).

ClinVar aggregate classification (germline): Uncertain significance (1 of 4 stars; one submission).

Conditions:
Charcot-Marie-Tooth disease axonal type 2L. Also called: CHARCOT-MARIE-TOOTH DISEASE, AXONAL, AUTOSOMAL DOMINANT, TYPE 2L; CHARCOT-MARIE-TOOTH NEUROPATHY, AXONAL, TYPE 2L; Charcot-Marie-Tooth Neuropathy Type 2L. Identifiers: Orphanet 99945, MedGen C1837552, MONDO:0012096, OMIM 608673.

Submission:

Labcorp Genetics (formerly Invitae), Labcorp
Classification: Uncertain significance for Charcot-Marie-Tooth disease axonal type 2L. Last evaluated: 2021-10-26. Review status: criteria provided, single submitter. Criteria: Invitae Variant Classification Sherloc (09022015). Collection method: clinical testing. Allele origin: germline.
Comment: This variant results in a copy number gain of the genomic region encompassing exon(s) 3 of the HSPB8 gene. The 5' boundary is likely confined to intron 2. The 3' end of this event is unknown as it extends beyond the assayed region for this gene and therefore may encompass additional genes. As the precise location of this event is unknown, it may be in tandem or it may be located elsewhere in the genome. This variant has not been reported in the literature in individuals with HSPB8-related conditions. In summary, the available evidence is currently insufficient to determine the role of this variant in disease. Therefore, it has been classified as a Variant of Uncertain Significance.